The following is an entry in ClinVar:

NM_000133.4(F9):c.1182G>A (p.Met394Ile)

Gene: F9 (coagulation factor IX; plus strand). Cytogenetic location: Xq27.1.
Variant type: single nucleotide variant.
Coding change: c.1182G>A on transcript NM_000133.4 (MANE Select); coding-DNA position 1182, G replaced by A.
Protein change: p.Met394Ile; replaces methionine 394 with isoleucine.
Molecular consequence: missense variant.
Genome position (GRCh38, 1-based): chrX:139,561,867, G>A. VCF-style: chrX-139561867-G-A. GRCh37 (hg19) VCF-style: chrX-138644026-G-A.
Other names: c.1068G>A, p.Met356Ile (NM_001313913.2); short protein forms M394I, M356I.
Identifiers: ClinVar variation 2138744 (VCV002138744.4), dbSNP rs1388797589, ClinGen allele CA414446348.

ClinVar aggregate classification (germline): Pathogenic (1 of 4 stars; one submission).

Conditions:
Thrombophilia, X-linked, due to factor 9 defect. Identifiers: MedGen C2749016, MONDO:0010432, OMIM 300807.
Hereditary factor IX deficiency disease (HEMB). Also called: Christmas Disease; F9 DEFICIENCY; FACTOR IX DEFICIENCY; PLASMA THROMBOPLASTIN COMPONENT DEFICIENCY; Hemophilia B. Identifiers: Orphanet 98879, MedGen C0008533, MeSH D002836, MONDO:0010604, OMIM 306900.

Allele frequency attached by ClinVar (database versions not stated): TOPMed 0.00002.

Submission:

Labcorp Genetics (formerly Invitae), Labcorp
Classification: Pathogenic for Thrombophilia, X-linked, due to factor 9 defect; Hereditary factor IX deficiency disease. Last evaluated: 2022-02-03. Review status: criteria provided, single submitter. Criteria: Invitae Variant Classification Sherloc (09022015). Collection method: clinical testing. Allele origin: germline.
Comment: Advanced modeling of protein sequence and biophysical properties (such as structural, functional, and spatial information, amino acid conservation, physicochemical variation, residue mobility, and thermodynamic stability) performed at Invitae indicates that this missense variant is expected to disrupt F9 protein function. For these reasons, this variant has been classified as Pathogenic. This variant is also known as Met348Ile. This missense change has been observed in individuals with factor IX deficiency (hemophilia B) (PMID: 8217825, 19699296; Invitae). This variant is not present in population databases (gnomAD no frequency). This sequence change replaces methionine, which is neutral and non-polar, with isoleucine, which is neutral and non-polar, at codon 394 of the F9 protein (p.Met394Ile).

Literature cited by the submitters: PubMed 8217825; PubMed 19699296.